The following is an entry in ClinVar:

ClinVar aggregate classification (germline): Likely benign. Review status: criteria provided, multiple submitters, no conflicts (2 of 4 stars). 4 submissions from 4 submitters: Likely benign (4). Last evaluated 2024-10-23.

Conditions:
Focal segmental glomerulosclerosis 5 (FSGS5). Identifiers: Orphanet 656, MedGen C2750475, MONDO:0013191, OMIM 613237.
Charcot-Marie-Tooth disease dominant intermediate E. Also called: CHARCOT-MARIE-TOOTH NEUROPATHY WITH FOCAL SEGMENTAL GLOMERULONEPHRITIS. Identifiers: Orphanet 93114, MedGen C4302667, MONDO:0013758, OMIM 614455.
Inborn genetic diseases. Identifiers: MedGen C0950123, MeSH D030342.

Allele frequency attached by ClinVar (database versions not stated): gnomAD 0.00004; TOPMed 0.00006; ESP Exome Variant Server 0.00008; gnomAD exomes 0.00008 and 0.00013; ExAC 0.00010; 1000 Genomes Project 30x 0.00016; 1000 Genomes Project 0.00020.
gnomAD v4.1: 121 of 1,612,502 alleles (0.0075%); highest among the groups gnomAD compares: South Asian, 0.035%; no homozygotes.

Submissions (4):

Labcorp Genetics (formerly Invitae), Labcorp
Classification: Likely benign for Charcot-Marie-Tooth disease dominant intermediate E; Focal segmental glomerulosclerosis 5. Last evaluated: 2024-10-23. Review status: criteria provided, single submitter. Criteria: Invitae Variant Classification Sherloc (09022015). Collection method: clinical testing. Allele origin: germline.

Blueprint Genetics
Classification: Likely benign. Last evaluated: 2024-10-08. Review status: criteria provided, single submitter. Criteria: ACMG Guidelines, 2015. Collection method: clinical testing. Allele origin: germline.

Ambry Genetics
Classification: Likely benign for Inborn genetic diseases. Last evaluated: 2019-07-11. Review status: criteria provided, single submitter. Criteria: Ambry Variant Classification Scheme 2023. Collection method: clinical testing. Allele origin: germline.

GeneDx
Classification: Likely benign. Last evaluated: 2016-01-25. Review status: criteria provided, single submitter. Criteria: GeneDx Variant Classification (06012015). Collection method: clinical testing. Allele origin: germline. Affected: yes.
Comment: This variant is considered likely benign or benign based on one or more of the following criteria: it is a conservative change, it occurs at a poorly conserved position in the protein, it is predicted to be benign by multiple in silico algorithms, and/or has population frequency not consistent with disease.

NM_022489.4(INF2):c.1791C>T (p.Pro597=)

Gene: INF2 (inverted formin 2; plus strand). Cytogenetic location: 14q32.33.
Variant type: single nucleotide variant.
Coding change: c.1791C>T on transcript NM_022489.4 (MANE Select); coding-DNA position 1791, C replaced by T.
Protein change: p.Pro597=; no amino-acid change (proline 597 retained).
Molecular consequence: synonymous variant.
Genome position (GRCh38, 1-based): chr14:104,708,491, C>T. VCF-style: chr14-104708491-C-T. GRCh37 (hg19) VCF-style: chr14-105174828-C-T.
Other names: c.1791C>T, p.Pro597= (NM_001031714.4).
Identifiers: ClinVar variation 383078 (VCV000383078.12), dbSNP rs377222356, ClinGen allele CA7372674.
Genomic context (GRCh38, chr14:104,708,491, plus strand): 5'-GACAGAGCACAACTCTATGTGGGCGTCCCTGAGCAGCCCCGACGCCGAGGCTGTGGAGCC[C>T]GACTTCTCCAGCATCGAGCGACTATTCTCCTTCCCTGCAGCCAAGCCCAAGGAGCCCACC-3'
Protein context (NP_071934.3, residues 587-607): LSSPDAEAVE[Pro597=]DFSSIERLFS